The following is an entry in ClinVar:

NM_001007553.3(CSDE1):c.1-1652A>G

Gene: CSDE1 (cold shock domain containing E1; minus strand). Cytogenetic location: 1p13.2.
Variant type: single nucleotide variant.
Coding change: c.1-1652A>G on transcript NM_001007553.3 (MANE Select); 1652 bases into the intron before coding-DNA position 1, A replaced by G.
Molecular consequence: intron variant. On other transcripts: synonymous variant (2).
Genome position (GRCh38, 1-based): chr1:114,741,542, T>C on the plus strand (A>G on the coding strand, the complement: CSDE1 is on the minus strand). VCF-style: chr1-114741542-T-C. GRCh37 (hg19) VCF-style: chr1-115284163-T-C.
Other names: c.123A>G, p.Pro41= (NM_001130523.3, NM_001242891.2); c.1-1652A>G (NM_001242893.2, NM_001242892.2, NM_007158.6); c.123A>G (NM_001130523.2).
Identifiers: ClinVar variation 4907203 (VCV004907203.2).

ClinVar aggregate classification (germline): Likely benign. Review status: criteria provided, multiple submitters, no conflicts (2 of 4 stars). 2 submissions from 2 submitters: Likely benign (2). Last evaluated 2024-10-17.

Conditions:
CSDE1-related disorder. Also called: CSDE1-related condition.

gnomAD v4.1: 167 of 1,550,244 alleles (0.011%); highest among the groups gnomAD compares: Admixed American, 0.071%; no homozygotes.

Submissions (2):

PreventionGenetics, part of Exact Sciences
Classification: Likely benign for CSDE1-related condition. Last evaluated: 2024-10-17. Review status: criteria provided, single submitter. Criteria: ACMG Guidelines, 2015. Collection method: clinical testing. Allele origin: germline.
Comment: This variant is classified as likely benign based on ACMG/AMP sequence variant interpretation guidelines (Richards et al. 2015 PMID: 25741868, with internal and published modifications).

Blueprint Genetics
Classification: Likely benign. Last evaluated: 2024-04-18. Review status: criteria provided, single submitter. Criteria: ACMG Guidelines, 2015. Collection method: clinical testing. Allele origin: germline.